The following is an entry in ClinVar:

NM_003000.3(SDHB):c.459T>G (p.Ile153Met)

Gene: SDHB (succinate dehydrogenase complex iron sulfur subunit B; minus strand). Cytogenetic location: 1p36.13.
Variant type: single nucleotide variant.
Coding change: c.459T>G on transcript NM_003000.3 (MANE Select); coding-DNA position 459, T replaced by G.
Protein change: p.Ile153Met; replaces isoleucine 153 with methionine.
Molecular consequence: missense variant.
Genome position (GRCh38, 1-based): chr1:17,027,830, A>C on the plus strand (T>G on the coding strand, the complement: SDHB is on the minus strand). VCF-style: chr1-17027830-A-C. GRCh37 (hg19) VCF-style: chr1-17354325-A-C.
Other names: c.405T>G, p.Ile135Met (NM_001407361.1); short protein forms I135M, I153M.
Identifiers: ClinVar variation 5029283 (VCV005029283.1).
Genomic context (GRCh38, chr1:17,027,830, plus strand): 5'-GGACTGCAGATACTGCTGCTTGCCTTCCTGAGATTCATCCTTCTTCTTCAAATAAGGCTC[A>C]ATGGATTTGTACTGTGCATAGAAGTTGCTCAAATCCTGTGGTTAAGAGGAAGAAGAAGAA-3'
Protein context (NP_002991.2, residues 143-163): LSNFYAQYKS[Ile153Met]EPYLKKKDES

ClinVar aggregate classification (germline): Uncertain significance (1 of 4 stars; one submission).

Conditions:
Hereditary cancer-predisposing syndrome. Also called: Neoplastic Syndromes, Hereditary; Tumor predisposition; Hereditary neoplastic syndrome; Hereditary Cancer Syndrome. Identifiers: Orphanet 140162, MedGen C0027672, MeSH D009386, MONDO:0015356.

Submission:

Ambry Genetics
Classification: Uncertain significance for Hereditary cancer-predisposing syndrome. Last evaluated: 2026-07-07. Review status: criteria provided, single submitter. Criteria: Ambry Variant Classification Scheme 2023. Collection method: clinical testing. Allele origin: germline.
Comment: The p.I153M variant (also known as c.459T>G), located in coding exon 5 of the SDHB gene, results from a T to G substitution at nucleotide position 459. The isoleucine at codon 153 is replaced by methionine, an amino acid with highly similar properties. This amino acid position is conserved. In addition, this alteration is predicted to be deleterious by in silico analysis. Based on the available evidence, the clinical significance of this variant remains unclear.